The following is an entry in ClinVar:

NM_006343.3(MERTK):c.1730T>C (p.Leu577Pro)

Gene: MERTK (MER proto-oncogene, tyrosine kinase; plus strand). Cytogenetic location: 2q13.
Variant type: single nucleotide variant.
Coding change: c.1730T>C on transcript NM_006343.3 (MANE Select); coding-DNA position 1730, T replaced by C.
Protein change: p.Leu577Pro; replaces leucine 577 with proline.
Molecular consequence: missense variant.
Genome position (GRCh38, 1-based): chr2:112,003,131, T>C. VCF-style: chr2-112003131-T-C. GRCh37 (hg19) VCF-style: chr2-112760708-T-C.
Other names: short protein forms L577P.
Identifiers: ClinVar variation 2126091 (VCV002126091.4), dbSNP rs2466879140, ClinGen allele CA348232569.

ClinVar aggregate classification (germline): Uncertain significance (1 of 4 stars; one submission).

Submission:

Labcorp Genetics (formerly Invitae), Labcorp
Classification: Uncertain significance. Last evaluated: 2022-04-13. Review status: criteria provided, single submitter. Criteria: Invitae Variant Classification Sherloc (09022015). Collection method: clinical testing. Allele origin: germline.
Comment: In summary, the available evidence is currently insufficient to determine the role of this variant in disease. Therefore, it has been classified as a Variant of Uncertain Significance. Algorithms developed to predict the effect of missense changes on protein structure and function are either unavailable or do not agree on the potential impact of this missense change (SIFT: "Deleterious"; PolyPhen-2: "Probably Damaging"; Align-GVGD: "Class C0"). This variant has not been reported in the literature in individuals affected with MERTK-related conditions. This variant is not present in population databases (gnomAD no frequency). This sequence change replaces leucine, which is neutral and non-polar, with proline, which is neutral and non-polar, at codon 577 of the MERTK protein (p.Leu577Pro).